The following is an entry in ClinVar:

NM_001330700.2(TOP2B):c.4523A>T (p.Lys1508Met)

Gene: TOP2B (DNA topoisomerase II beta; minus strand). Cytogenetic location: 3p24.2.
Variant type: single nucleotide variant.
Coding change: c.4523A>T on transcript NM_001330700.2 (MANE Select); coding-DNA position 4523, A replaced by T.
Protein change: p.Lys1508Met; replaces lysine 1508 with methionine.
Molecular consequence: missense variant.
Genome position (GRCh38, 1-based): chr3:25,601,192, T>A on the plus strand (A>T on the coding strand, the complement: TOP2B is on the minus strand). VCF-style: chr3-25601192-T-A. GRCh37 (hg19) VCF-style: chr3-25642683-T-A.
Other names: c.4508A>T, p.Lys1503Met (NM_001068.3); short protein forms K1508M, K1503M.
Identifiers: ClinVar variation 4781998 (VCV004781998.1).
Genomic context (GRCh38, chr3:25,601,192, plus strand): 5'-AATTCTGAATCCGAGTCAGAGTTTACAGCCTCTACTACTTTCTTCTGTTTTGGGGCTCTC[T>A]TGGGCTTAGGGACTGTATCTGAAGACGGTTTTCCTAGTAAGCAAATTTCCATTTCACAGG-3'
Protein context (NP_001317629.1, residues 1498-1518): KPSSDTVPKP[Lys1508Met]RAPKQKKVVE

ClinVar aggregate classification (germline): Uncertain significance (1 of 4 stars; one submission).

gnomAD v4.1: 2 of 1,613,738 alleles (0.00012%); highest among the groups gnomAD compares: African/African-American, 0.0013%; no homozygotes.

Submission:

Labcorp Genetics (formerly Invitae), Labcorp
Classification: Uncertain significance. Last evaluated: 2025-11-01. Review status: criteria provided, single submitter. Criteria: Invitae Variant Classification Sherloc (09022015). Collection method: clinical testing. Allele origin: germline.
Comment: This sequence change replaces lysine, which is basic and polar, with methionine, which is neutral and non-polar, at codon 1503 of the TOP2B protein (p.Lys1503Met). This variant is not present in population databases (gnomAD no frequency). This variant has not been reported in the literature in individuals affected with TOP2B-related conditions. An algorithm developed to predict the effect of missense changes on protein structure and function (PolyPhen-2) suggests that this variant is likely to be disruptive. In summary, the available evidence is currently insufficient to determine the role of this variant in disease. Therefore, it has been classified as a Variant of Uncertain Significance.